The following is an entry in ClinVar:

ClinVar aggregate classification (germline): Conflicting classifications of pathogenicity. Review status: criteria provided, conflicting classifications (1 of 4 stars). 2 submissions from 2 submitters: Uncertain significance (1); Likely benign (1). Last evaluated 2023-03-23.

Conditions:
Hereditary cancer-predisposing syndrome. Also called: Tumor predisposition; Hereditary neoplastic syndrome; Neoplastic Syndromes, Hereditary; Hereditary Cancer Syndrome. Identifiers: Orphanet 140162, MedGen C0027672, MeSH D009386, MONDO:0015356.
Hereditary breast ovarian cancer syndrome. Also called: BRCA1- and BRCA2-Associated Hereditary Breast and Ovarian Cancer; Hereditary breast and ovarian cancer; Hereditary breast and/or ovarian cancer syndrome; Hereditary breast and ovarian cancer syndrome; Hereditary breast and ovarian cancer syndrome (HBOC); Breast and ovarian cancer. Identifiers: Orphanet 145, MedGen C0677776, MeSH D061325, MONDO:0003582. Disease mechanism: loss of function.

Submissions (2):

University of Washington Department of Laboratory Medicine, University of Washington
Classification: Likely benign for Hereditary cancer-predisposing syndrome. Last evaluated: 2023-03-23. Review status: criteria provided, single submitter. Criteria: Dines et al. (Genet Med. 2020). Collection method: curation. Allele origin: germline.
Comment: Missense variant in a coldspot region where missense variants are very unlikely to be pathogenic (PMID:31911673).

BRCA1 coldspot (exon 11 using historical exon numbering). Reclassification based on statistical prior probability

Labcorp Genetics (formerly Invitae), Labcorp
Classification: Uncertain significance for Hereditary breast ovarian cancer syndrome. Last evaluated: 2021-04-15. Review status: criteria provided, single submitter. Criteria: Invitae Variant Classification Sherloc (09022015). Collection method: clinical testing. Allele origin: germline.
Comment: In summary, the available evidence is currently insufficient to determine the role of this variant in disease. Therefore, it has been classified as a Variant of Uncertain Significance. Advanced modeling of protein sequence and biophysical properties (such as structural, functional, and spatial information, amino acid conservation, physicochemical variation, residue mobility, and thermodynamic stability) performed at Invitae indicates that this missense variant is not expected to disrupt BRCA1 protein function. This variant has not been reported in the literature in individuals with BRCA1-related conditions. This variant is not present in population databases (ExAC no frequency). This sequence change replaces glycine with alanine at codon 323 of the BRCA1 protein (p.Gly323Ala). The glycine residue is weakly conserved and there is a small physicochemical difference between glycine and alanine.

NM_007294.4(BRCA1):c.968G>C (p.Gly323Ala)

Gene: BRCA1 (BRCA1 DNA repair associated; minus strand). Cytogenetic location: 17q21.31.
Variant type: single nucleotide variant.
Coding change: c.968G>C on transcript NM_007294.4 (MANE Select); coding-DNA position 968, G replaced by C.
Protein change: p.Gly323Ala; replaces glycine 323 with alanine.
Molecular consequence: missense variant. On other transcripts: intron variant (137).
Genome position (GRCh38, 1-based): chr17:43,094,563, C>G on the plus strand (G>C on the coding strand, the complement: BRCA1 is on the minus strand). VCF-style: chr17-43094563-C-G. GRCh37 (hg19) VCF-style: chr17-41246580-C-G.
Other names: c.646+181G>C (NM_001408461.1, NM_001408467.1, NM_001408459.1 and 11 more transcripts); c.784+181G>C (NM_001408397.1, NM_001408401.1, NM_001408396.1 and 13 more transcripts); c.664+181G>C (NM_001408436.1, NM_001408444.1, NM_001408438.1 and 12 more transcripts); c.787+181G>C (NM_001407980.1, NM_001407993.1, NM_001407976.1 and 19 more transcripts); c.652+181G>C (NM_001408451.1); c.643+181G>C (NM_001408464.1, NM_001408468.1, NM_001408465.1 and 3 more transcripts); c.523+181G>C (NM_001408498.1, NM_001408501.1, NM_001408500.1 and 3 more transcripts); c.583+181G>C (NM_001408475.1); and 40 more; short protein forms G276A, G323A, G282A, G297A, G155A, G195A, G211A, G212A.
Identifiers: ClinVar variation 1497834 (VCV001497834.11), dbSNP rs2054014720, ClinGen allele CA10600127.